The following is an entry in ClinVar:

NM_002529.4(NTRK1):c.1287C>A (p.Cys429Ter)

Gene: NTRK1 (neurotrophic receptor tyrosine kinase 1; plus strand). Cytogenetic location: 1q23.1.
Variant type: single nucleotide variant.
Coding change: c.1287C>A on transcript NM_002529.4 (MANE Select); coding-DNA position 1287, C replaced by A.
Protein change: p.Cys429Ter; replaces cysteine 429 with a stop codon.
Molecular consequence: nonsense.
Genome position (GRCh38, 1-based): chr1:156,874,941, C>A. VCF-style: chr1-156874941-C-A. GRCh37 (hg19) VCF-style: chr1-156844733-C-A.
Other names: c.1179C>A, p.Cys393Ter (NM_001007792.1); c.1269C>A, p.Cys423Ter (NM_001012331.2); short protein forms C429*, C423*, C393*.
Identifiers: ClinVar variation 936316 (VCV000936316.8), dbSNP rs1647805941, ClinGen allele CA342936919.

ClinVar aggregate classification (germline): Pathogenic/Likely pathogenic. Review status: criteria provided, multiple submitters, no conflicts (2 of 4 stars). 2 submissions from 2 submitters: Pathogenic (1); Likely pathogenic (1). Last evaluated 2020-11-02.

Conditions:
Hereditary insensitivity to pain with anhidrosis (CIPA). Also called: NTRK1 Congenital Insensitivity to Pain with Anhidrosis; INSENSITIVITY TO PAIN, CONGENITAL, WITH ANHIDROSIS; HSAN Type IV; hereditary sensory and autonomic neuropathy type 4; NEUROPATHY, CONGENITAL SENSORY, WITH ANHIDROSIS; FAMILIAL DYSAUTONOMIA, TYPE II. Identifiers: Orphanet 642, MedGen C0020074, MONDO:0009746, OMIM 256800.

Allele frequency attached by ClinVar (database versions not stated): gnomAD exomes below 0.00001.
gnomAD v4.1: 1 of 1,613,908 alleles (0.000062%); highest among the groups gnomAD compares: Non-Finnish European, 0.000085%; no homozygotes.

Submissions (2):

Labcorp Genetics (formerly Invitae), Labcorp
Classification: Pathogenic for Hereditary insensitivity to pain with anhidrosis. Last evaluated: 2020-11-02. Review status: criteria provided, single submitter. Criteria: Invitae Variant Classification Sherloc (09022015). Collection method: clinical testing. Allele origin: germline.
Comment: This sequence change creates a premature translational stop signal (p.Cys423*) in the NTRK1 gene. It is expected to result in an absent or disrupted protein product. Loss-of-function variants in NTRK1 are known to be pathogenic (PMID: 10982191). For these reasons, this variant has been classified as Pathogenic. This variant has not been reported in the literature in individuals with NTRK1-related conditions. This variant is not present in population databases (ExAC no frequency).

Neuberg Centre For Genomic Medicine, NCGM
Classification: Likely pathogenic for Hereditary insensitivity to pain with anhidrosis. Review status: criteria provided, single submitter. Criteria: ACMG Guidelines, 2015. Collection method: clinical testing. Allele origin: germline. Inheritance: Autosomal recessive inheritance. Affected: yes.
Comment: The stop gained c.1287C>A (p.Cys429Ter) variant in the NTRK1 gene has not been reported previously as a pathogenic variant nor as a benign variant, to our knowledge. This variant is novel in the gnomAD Exomes and 1000 Genomes. It is submitted to ClinVar as Pathogenic. This variant is predicted to cause loss of normal protein function either through protein truncation or nonsense_x0002_mediated mRNA decay. Loss of function variants have been previously reported to be disease causing. Additional studies are required to prove the pathogenicity of the variant. For these reasons, this variant has been classified as Likely Pathogenic

Literature cited by the submitters: PubMed 10982191 (cited by Labcorp Genetics (formerly Invitae), Labcorp).